The following is an entry in ClinVar:

NM_002734.5(PRKAR1A):c.708+142A>G

Gene: PRKAR1A (protein kinase cAMP-dependent type I regulatory subunit alpha; plus strand). Cytogenetic location: 17q24.2.
Variant type: single nucleotide variant.
Coding change: c.708+142A>G on transcript NM_002734.5 (MANE Select); 142 bases into the intron after coding-DNA position 708, A replaced by G.
Molecular consequence: intron variant.
Genome position (GRCh38, 1-based): chr17:68,526,054, A>G. VCF-style: chr17-68526054-A-G. GRCh37 (hg19) VCF-style: chr17-66522195-A-G.
Other names: c.708+142A>G (NM_001278433.2, NM_001369389.1, NM_212471.3 and 4 more transcripts).
Identifiers: ClinVar variation 677027 (VCV000677027.1), dbSNP rs74745979, ClinGen allele CA293291535.
Genomic context (GRCh38, chr17:68,526,054, plus strand): 5'-AGAATATTTCTTTTAATGAGCAAATATTTCTTTCTTTTAATAAGCGAATATTTTTCTTTT[A>G]ATGAGCAAATACTTTGCATTAAGCCCAGCTTAGCATTATTCATTATGCCATTTTAGGCAG-3'

ClinVar aggregate classification (germline): Benign (1 of 4 stars; one submission).

Allele frequency attached by ClinVar (database versions not stated): gnomAD exomes 0.14510; gnomAD 0.14601 and 0.14750; TOPMed 0.15455; 1000 Genomes Project 0.16494; 1000 Genomes Project 30x 0.16708.
gnomAD v4.1: 166,157 of 1,142,728 alleles (15%); highest among the groups gnomAD compares: South Asian, 19%; 12,528 homozygotes.

Submission:

GeneDx
Classification: Benign. Last evaluated: 2018-06-18. Review status: criteria provided, single submitter. Criteria: GeneDx Variant Classification (06012015). Collection method: clinical testing. Allele origin: germline. Affected: yes.
Comment: This variant is considered likely benign or benign based on one or more of the following criteria: it is a conservative change, it occurs at a poorly conserved position in the protein, it is predicted to be benign by multiple in silico algorithms, and/or has population frequency not consistent with disease.